The following is an entry in ClinVar:

ClinVar aggregate classification (germline): Uncertain significance. Review status: criteria provided, multiple submitters, no conflicts (2 of 4 stars). 2 submissions from 2 submitters: Uncertain significance (2). Last evaluated 2025-10-02.

Allele frequency attached by ClinVar (database versions not stated): ExAC 0.00002.
gnomAD v4.1: 17 of 1,610,514 alleles (0.0011%); highest among the groups gnomAD compares: African/African-American, 0.02%; no homozygotes.

Submissions (2):

Labcorp Genetics (formerly Invitae), Labcorp
Classification: Uncertain significance. Last evaluated: 2025-10-02. Review status: criteria provided, single submitter. Criteria: Invitae Variant Classification Sherloc (09022015). Collection method: clinical testing. Allele origin: germline.
Comment: This sequence change replaces valine, which is neutral and non-polar, with leucine, which is neutral and non-polar, at codon 719 of the LONP1 protein (p.Val719Leu). This variant is present in population databases (rs750942603, gnomAD 0.03%). This variant has not been reported in the literature in individuals affected with LONP1-related conditions. ClinVar contains an entry for this variant (Variation ID: 1380147). Invitae Evidence Modeling of protein sequence and biophysical properties (such as structural, functional, and spatial information, amino acid conservation, physicochemical variation, residue mobility, and thermodynamic stability) indicates that this missense variant is not expected to disrupt LONP1 protein function with a negative predictive value of 95%. In summary, the available evidence is currently insufficient to determine the role of this variant in disease. Therefore, it has been classified as a Variant of Uncertain Significance.

GeneDx
Classification: Uncertain significance. Last evaluated: 2023-02-01. Review status: criteria provided, single submitter. Criteria: GeneDx Variant Classification Process June 2021. Collection method: clinical testing. Allele origin: germline. Affected: yes.
Comment: In silico analysis supports that this missense variant does not alter protein structure/function; Has not been previously published as pathogenic or benign to our knowledge

NM_004793.4(LONP1):c.2155G>T (p.Val719Leu)

Gene: LONP1 (lon peptidase 1, mitochondrial; minus strand). Cytogenetic location: 19p13.3.
Variant type: single nucleotide variant.
Coding change: c.2155G>T on transcript NM_004793.4 (MANE Select); coding-DNA position 2155, G replaced by T.
Protein change: p.Val719Leu; replaces valine 719 with leucine.
Molecular consequence: missense variant. On other transcripts: non-coding transcript variant (1).
Genome position (GRCh38, 1-based): chr19:5,694,552, C>A on the plus strand (G>T on the coding strand, the complement: LONP1 is on the minus strand). VCF-style: chr19-5694552-C-A. GRCh37 (hg19) VCF-style: chr19-5694563-C-A.
Other names: c.1963G>T, p.Val655Leu (NM_001276479.2); c.1567G>T, p.Val523Leu (NM_001276480.1); c.2155G>T (NM_004793.3); short protein forms V523L, V655L, V719L.
Identifiers: ClinVar variation 1380147 (VCV001380147.8), dbSNP rs750942603, ClinGen allele CA9114238.
Genomic context (GRCh38, chr19:5,694,552, plus strand): 5'-GCGTCACCTCCACGGACTCGGCCTCGCCGCTGACAATCTTGTAGGCCGATTTCCGTAACA[C>A]CTGGGCGGTCAGGGCAACACAATGGGCACGGGAAGGTGGGGTGACAGGTGCGGGGTGGTG-3'
Protein context (NP_004784.2, residues 709-729): VRNLQKQVEK[Val719Leu]LRKSAYKIVS